The following is an entry in ClinVar:

ClinVar aggregate classification (germline): Likely benign (1 of 4 stars; one submission).

Conditions:
Succinate-semialdehyde dehydrogenase deficiency (SSADHD). Also called: Succinic Semialdehyde Dehydrogenase Deficiency; 4-HYDROXYBUTYRIC ACIDURIA; GABA METABOLIC DEFECT; SSADH DEFICIENCY. Identifiers: Orphanet 22, MedGen C0268631, MONDO:0010083, OMIM 271980.

Allele frequency attached by ClinVar (database versions not stated): 1000 Genomes Project 30x 0.00250; 1000 Genomes Project 0.00260; gnomAD 0.00658 and 0.00686; TOPMed 0.00713; gnomAD exomes 0.02632.
gnomAD v4.1: 1,009 of 152,392 alleles (0.66%); highest among the groups gnomAD compares: Non-Finnish European, 1.2%; 6 homozygotes.

Submission:

Illumina Laboratory Services, Illumina
Classification: Likely benign for Succinate-semialdehyde dehydrogenase deficiency. Last evaluated: 2018-01-12. Review status: criteria provided, single submitter. Criteria: ICSL Variant Classification Criteria 13 December 2019. Collection method: clinical testing. Allele origin: germline.
Comment: This variant was observed in the ICSL laboratory as part of a predisposition screen in an ostensibly healthy population. It had not been previously curated by ICSL or reported in the Human Gene Mutation Database (HGMD: prior to June 1st, 2018), and was therefore a candidate for classification through an automated scoring system. Utilizing variant allele frequency, disease prevalence and penetrance estimates, and inheritance mode, an automated score was calculated to assess if this variant is too frequent to cause the disease. Based on the score and internal cut-off values, a variant classified as likely benign is not then subjected to further curation. The score for this variant resulted in a classification of likely benign for this disease.

NM_001080.3(ALDH5A1):c.*1877A>G

Gene: ALDH5A1 (aldehyde dehydrogenase 5 family member A1; plus strand). Cytogenetic location: 6p22.3.
Variant type: single nucleotide variant.
Coding change: c.*1877A>G on transcript NM_001080.3 (MANE Select); 1877 bases downstream of the stop codon, A replaced by G.
Molecular consequence: 3 prime UTR variant.
Genome position (GRCh38, 1-based): chr6:24,535,589, A>G. VCF-style: chr6-24535589-A-G. GRCh37 (hg19) VCF-style: chr6-24535817-A-G.
Other names: c.*1877A>G (NM_001368954.1, NM_170740.1).
Identifiers: ClinVar variation 906633 (VCV000906633.4), dbSNP rs41271787, ClinGen allele CA136115300.
Genomic context (GRCh38, chr6:24,535,589, plus strand): 5'-CTGGGCTGGGCACAGTGGCTCACGCCTGTAATCCCAACACCTTGGGAGGCCAAGGCAGGC[A>G]GATCACGACATCAGGAGATCGAGACCATCCTGGCTAACACGGTGAAACCCCGTCTCTACT-3'